The following is an entry in ClinVar:

NM_000397.4(CYBB):c.1415del (p.Gly472fs)

Gene: CYBB (cytochrome b-245 beta chain; plus strand). Cytogenetic location: Xp11.4.
Variant type: Deletion.
Coding change: c.1415del on transcript NM_000397.4 (MANE Select); coding-DNA position 1415, one base deleted (G; older notation c.1415delG).
Protein change: p.Gly472fs; shifts the reading frame from glycine 472.
Molecular consequence: frameshift variant.
Genome position (GRCh38, 1-based): chrX:37,806,487, G deleted; the last of 2 consecutive G bases (chrX:37,806,486-37,806,487); deleting either gives the same sequence. VCF-style (leftmost placement, unchanged base first): chrX-37806485-CG-C. GRCh37 (hg19) VCF-style: chrX-37665738-CG-C.
Other names: short protein forms G472fs.
Identifiers: ClinVar variation 928699 (VCV000928699.1), dbSNP rs1929563459, ClinGen allele CA1139667399.
Genomic context (GRCh38, chrX:37,806,485, plus strand): 5'-TGAGTGGTTTGCAGATCTGCTGCAACTGCTGGAGAGCCAGATGCAGGAAAGGAACAATGC[CG>C]GCTTCCTCAGCTACAACATCTACCTCACTGGCTGGGATGAGTCTCAGGTAAGGACAAGAC-3'

ClinVar aggregate classification (germline): Pathogenic (1 of 4 stars; one submission).

Conditions:
Granulomatous disease, chronic, X-linked. Also called: CYTOCHROME b-NEGATIVE GRANULOMATOUS DISEASE, CHRONIC, X-LINKED; GRANULOMATOUS DISEASE, CHRONIC, X-LINKED, SOMATIC MOSAIC. Identifiers: Orphanet 379, MedGen C1844376, MONDO:0010600, OMIM 306400.

Submission:

Women's Health and Genetics/Laboratory Corporation of America, LabCorp
Classification: Pathogenic for Chronic granulomatous disease, X-linked. Last evaluated: 2019-07-05. Review status: criteria provided, single submitter. Criteria: LabCorp Variant Classification Summary - May 2015. Collection method: clinical testing. Allele origin: germline.
Comment: Variant summary: CYBB c.1415delG (p.Gly472AlafsX30) results in a premature termination codon, predicted to cause a truncation of the encoded protein or absence of the protein due to nonsense mediated decay, which are commonly known mechanisms for disease. The variant was absent in 182515 control chromosomes (gnomAD). The variant, c.1415delG, has been reported in the literature in multiple individuals affected with X-linked Chronic Granulomatous Disease (Rae_1998, Roos_2010, Fernando_2018, Kulkarni_2018, Kutukculer_2018), and in several cases the diagnosis was reported to be confirmed by functional studies, demonstrating a biochemical defect in patient samples (e.g. Rae_1998, Kutukculer_2018, Fernando_2018). These data indicate that the variant is likely to be associated with disease. No clinical diagnostic laboratories have submitted clinical-significance assessments for this variant to ClinVar after 2014. Based on the evidence outlined above, the variant was classified as pathogenic.

Literature cited by the submitters: PubMed 11162142; PubMed 9585602; PubMed 20729109; PubMed 30237823; PubMed 30470980; PubMed 30506560.